The following is an entry in ClinVar:

NM_006755.2(TALDO1):c.662A>G (p.Tyr221Cys)

Genes: TALDO1 (transaldolase 1; plus strand), LOC126861110 (CDK7 strongly-dependent group 2 enhancer GRCh37_chr11:762588-763787; plus strand). Cytogenetic location: 11p15.5.
Variant type: single nucleotide variant.
Coding change: c.662A>G on transcript NM_006755.2 (MANE Select); coding-DNA position 662, A replaced by G.
Protein change: p.Tyr221Cys; replaces tyrosine 221 with cysteine.
Molecular consequence: missense variant.
Genome position (GRCh38, 1-based): chr11:763,771, A>G. VCF-style: chr11-763771-A-G. GRCh37 (hg19) VCF-style: chr11-763771-A-G.
Other names: short protein forms Y221C.
Identifiers: ClinVar variation 306135 (VCV000306135.7), dbSNP rs765872752, ClinGen allele CA10640220.

ClinVar aggregate classification (germline): Uncertain significance. Review status: criteria provided, multiple submitters, no conflicts (2 of 4 stars). 2 submissions from 2 submitters: Uncertain significance (2). Last evaluated 2022-05-28.

Conditions:
Deficiency of transaldolase. Also called: EYAID SYNDROME. Identifiers: Orphanet 101028, MedGen C1291329, MONDO:0011624, OMIM 606003.

Allele frequency attached by ClinVar (database versions not stated): gnomAD exomes 0.00001 and 0.00002; gnomAD 0.00003; TOPMed 0.00004.
gnomAD v4.1: 30 of 1,613,896 alleles (0.0019%); highest among the groups gnomAD compares: African/African-American, 0.004%; no homozygotes.

Submissions (2):

Labcorp Genetics (formerly Invitae), Labcorp
Classification: Uncertain significance. Last evaluated: 2022-05-28. Review status: criteria provided, single submitter. Criteria: Invitae Variant Classification Sherloc (09022015). Collection method: clinical testing. Allele origin: germline.
Comment: This sequence change replaces tyrosine, which is neutral and polar, with cysteine, which is neutral and slightly polar, at codon 221 of the TALDO1 protein (p.Tyr221Cys). This variant is present in population databases (rs765872752, gnomAD 0.004%). This missense change has been observed in individual(s) with acetaminophen-induced liver failure (PMID: 31769880). ClinVar contains an entry for this variant (Variation ID: 306135). Algorithms developed to predict the effect of missense changes on protein structure and function (SIFT, PolyPhen-2, Align-GVGD) all suggest that this variant is likely to be disruptive. Experimental studies have shown that this missense change affects TALDO1 function (PMID: 31769880). In summary, the available evidence is currently insufficient to determine the role of this variant in disease. Therefore, it has been classified as a Variant of Uncertain Significance.

Illumina Laboratory Services, Illumina
Classification: Uncertain significance for Deficiency of transaldolase. Last evaluated: 2018-01-12. Review status: criteria provided, single submitter. Criteria: ICSL Variant Classification Criteria 13 December 2019. Collection method: clinical testing. Allele origin: germline.

Literature cited by the submitters: PubMed 31769880 (cited by Labcorp Genetics (formerly Invitae), Labcorp).